The following is an entry in ClinVar:

NM_000540.3(RYR1):c.6655G>T (p.Glu2219Ter)

Gene: RYR1 (ryanodine receptor 1; plus strand). Cytogenetic location: 19q13.2.
Variant type: single nucleotide variant.
Coding change: c.6655G>T on transcript NM_000540.3 (MANE Select); coding-DNA position 6655, G replaced by T.
Protein change: p.Glu2219Ter; replaces glutamic acid 2219 with a stop codon.
Molecular consequence: nonsense.
Genome position (GRCh38, 1-based): chr19:38,496,321, G>T. VCF-style: chr19-38496321-G-T. GRCh37 (hg19) VCF-style: chr19-38986961-G-T.
Other names: c.6655G>T, p.Glu2219Ter (NM_001042723.2); short protein forms E2219*.
Identifiers: ClinVar variation 3069252 (VCV003069252.1), dbSNP rs185754956, ClinGen allele CA405666124.

ClinVar aggregate classification (germline): Uncertain significance (1 of 4 stars; one submission).

Conditions:
Malignant hyperthermia, susceptibility to, 1 (MHS1). Also called: RYR1-Related Malignant Hyperthermia Susceptibility; Anesthesia related hyperthermia; Malignant hyperpyrexia; Fulminating hyperpyrexia; Pharmacogenic myopathy; Malignant hyperthermia suceptibility 1. Identifiers: Orphanet 423, MedGen C2930980, MONDO:0007783, OMIM 145600.

Submission:

All of Us Research Program, National Institutes of Health
Classification: Uncertain significance for Malignant hyperthermia, susceptibility to, 1. Last evaluated: 2023-05-04. Review status: criteria provided, single submitter. Criteria: ACMG Guidelines, 2015. Collection method: clinical testing. Allele origin: germline. Inheritance: Autosomal dominant inheritance. Observed: 1 variant allele, 1 heterozygote.
Comment: This variant changes 1 nucleotide in exon 40 of the RYR1 gene, creating a premature translation stop signal. This variant is expected to result in an absent or non-functional protein product. To our knowledge, this variant has not been reported in individuals affected with RYR1-related disorders in the literature. This variant has not been identified in the general population by the Genome Aggregation Database (gnomAD). ). Loss of RYR1 function due to truncation variants is not an established disease mechanism for autosomal dominant malignant hyperthermia, although it is associated with other phenotype(s). Due to insufficient evidence, this variant is classified as a Variant of Uncertain Significance for autosomal dominant malignant hyperthermia.

This study involves interpretation of variants in research participants for the purpose of population health screening. Participant phenotype was not available at the time of variant classification. Additional details can be found in publication PMID: 35346344, PMCID: PMC8962531